The following is an entry in ClinVar:

NM_174936.4(PCSK9):c.295C>T (p.Gln99Ter)

Gene: PCSK9 (proprotein convertase subtilisin/kexin type 9; plus strand). Cytogenetic location: 1p32.3.
Variant type: single nucleotide variant.
Coding change: c.295C>T on transcript NM_174936.4 (MANE Select); coding-DNA position 295, C replaced by T.
Protein change: p.Gln99Ter; replaces glutamine 99 with a stop codon.
Molecular consequence: nonsense. On other transcripts: 5 prime UTR variant (1), non-coding transcript variant (6), intron variant (1).
Genome position (GRCh38, 1-based): chr1:55,043,930, C>T. VCF-style: chr1-55043930-C-T. GRCh37 (hg19) VCF-style: chr1-55509603-C-T.
Other names: c.-81C>T (NM_001407246.1); c.295C>T, p.Gln99Ter (NM_001407247.1, NM_001407243.1, NM_001407242.1 and 2 more transcripts); c.418C>T, p.Gln140Ter (NM_001407240.1); c.208-2593C>T (NM_001407245.1); short protein forms Q140*, Q99*.
Identifiers: ClinVar variation 3072286 (VCV003072286.1), dbSNP rs1235327649, ClinGen allele CA340483680.

ClinVar aggregate classification (germline): Uncertain significance (1 of 4 stars; one submission).

Conditions:
Hypercholesterolemia, autosomal dominant, 3 (FHCL3). Also called: Familial Hypercholesterolemia, Autosomal Dominant, 3; PCSK9-Related Familial Hypercholesterolemia, Autosomal Dominant; Familial hypercholesterolemia 3. Identifiers: MedGen C1863551, MONDO:0011369, OMIM 603776.

Allele frequency attached by ClinVar (database versions not stated): gnomAD exomes below 0.00001.

Submission:

All of Us Research Program, National Institutes of Health
Classification: Uncertain significance for Hypercholesterolemia, autosomal dominant, 3. Last evaluated: 2023-08-15. Review status: criteria provided, single submitter. Criteria: ACMG Guidelines, 2015. Collection method: clinical testing. Allele origin: germline. Inheritance: Autosomal dominant inheritance. Observed: 1 variant allele, 1 heterozygote.
Comment: This study involves interpretation of variants in research participants for the purpose of population health screening. Participant phenotype was not available at the time of variant classification. Additional details can be found in publication PMID: 35346344, PMCID: PMC8962531